The following is an entry in ClinVar:

NM_024642.5(GALNT12):c.662G>A (p.Gly221Asp)

Gene: GALNT12 (polypeptide N-acetylgalactosaminyltransferase 12; plus strand). Cytogenetic location: 9q22.33.
Variant type: single nucleotide variant.
Coding change: c.662G>A on transcript NM_024642.5 (MANE Select); coding-DNA position 662, G replaced by A.
Protein change: p.Gly221Asp; replaces glycine 221 with aspartic acid.
Molecular consequence: missense variant.
Genome position (GRCh38, 1-based): chr9:98,826,872, G>A. VCF-style: chr9-98826872-G-A. GRCh37 (hg19) VCF-style: chr9-101589154-G-A.
Other names: short protein forms G221D.
Identifiers: ClinVar variation 1754568 (VCV001754568.4), dbSNP rs568933955, ClinGen allele CA5154017.

ClinVar aggregate classification (germline): Uncertain significance (1 of 4 stars; one submission).

Allele frequency attached by ClinVar (database versions not stated): ExAC 0.00002; 1000 Genomes Project 0.00020; 1000 Genomes Project 30x 0.00031.

Submission:

Ambry Genetics
Classification: Uncertain significance. Last evaluated: 2025-06-20. Review status: criteria provided, single submitter. Criteria: Ambry Variant Classification Scheme 2023. Collection method: clinical testing. Allele origin: germline.
Comment: The p.G221D variant (also known as c.662G>A), located in coding exon 3 of the GALNT12 gene, results from a G to A substitution at nucleotide position 662. The glycine at codon 221 is replaced by aspartic acid, an amino acid with similar properties. This amino acid position is highly conserved in available vertebrate species. In addition, this alteration is predicted to be deleterious by in silico analysis. Since supporting evidence is limited at this time, the clinical significance of this alteration remains unclear.